The following is an entry in ClinVar:

NM_000352.6(ABCC8):c.1123G>A (p.Ala375Thr)

Gene: ABCC8 (ATP binding cassette subfamily C member 8; minus strand). Cytogenetic location: 11p15.1.
Variant type: single nucleotide variant.
Coding change: c.1123G>A on transcript NM_000352.6 (MANE Select); coding-DNA position 1123, G replaced by A.
Protein change: p.Ala375Thr; replaces alanine 375 with threonine.
Molecular consequence: missense variant. On other transcripts: non-coding transcript variant (1).
Genome position (GRCh38, 1-based): chr11:17,453,172, C>T on the plus strand (G>A on the coding strand, the complement: ABCC8 is on the minus strand). VCF-style: chr11-17453172-C-T. GRCh37 (hg19) VCF-style: chr11-17474719-C-T.
Other names: c.1123G>A (NM_000352.5); c.1123G>A, p.Ala375Thr (NM_001287174.3, NM_001351295.2); c.1120G>A, p.Ala374Thr (NM_001351296.2, NM_001351297.2); short protein forms A374T, A375T.
Identifiers: ClinVar variation 3599403 (VCV003599403.4).

ClinVar aggregate classification (germline): Uncertain significance. Review status: criteria provided, multiple submitters, no conflicts (2 of 4 stars). 4 submissions from 4 submitters: Uncertain significance (4). Last evaluated 2026-03-31.

Conditions:
Hyperinsulinemic hypoglycemia, familial, 1 (HHF1). Also called: Persistent hyperinsulinemic hypoglycemia of infancy; Persistent Hyperinsulinemia Hypoglycemia of Infancy; HYPERINSULINISM, FAMILIAL, WITH PANCREATIC NESIDIOBLASTOSIS; HYPOGLYCEMIA, HYPERINSULINEMIC, OF INFANCY; NESIDIOBLASTOSIS OF PANCREAS. Identifiers: Orphanet 276575, Orphanet 276598, MedGen C2931832, MONDO:0009734, OMIM 256450.
Diabetes mellitus, permanent neonatal 3. Also called: ABCC8-Related Permanent Neonatal Diabetes Mellitus. Identifiers: MedGen C5394303, MONDO:0030088, OMIM 618857.
Leucine-induced hypoglycemia (LIH). Also called: LEUCINE-SENSITIVE HYPOGLYCEMIA OF INFANCY. Identifiers: MedGen C0271714, MONDO:0009415, OMIM 240800.
Type 2 diabetes mellitus. Also called: Type II diabetes mellitus. Identifiers: MedGen C0011860, MeSH D003924, MONDO:0005148, OMIM 125853, HP:0005978.
Diabetes mellitus, transient neonatal, 2 (TNDM2). Identifiers: Orphanet 99886, MedGen C1835887, MONDO:0012480, OMIM 610374. Disease mechanism: loss of function.

gnomAD v4.1: 37 of 1,614,022 alleles (0.0023%); highest among the groups gnomAD compares: Non-Finnish European, 0.0031%; no homozygotes.

Submissions (4):

Myriad Genetics, Inc.
Classification: Uncertain significance for Hyperinsulinemic hypoglycemia, familial, 1. Last evaluated: 2026-03-31. Review status: criteria provided, single submitter. Criteria: Myriad Autosomal Dominant, Autosomal Recessive and X-Linked Classification Criteria (2023). Collection method: clinical testing. Allele origin: unknown.
Comment: NM_000352.3(ABCC8):c.1123G>A(A375T) is a missense variant classified as a variant of uncertain significance in the context of familial hyperinsulinism, ABCC8-related. A375T has been observed in a case with relevant disease (PMID: 38963811). Relevant functional assessments of this variant are not available in the literature. A375T has been observed in referenced population frequency databases. In summary, there is insufficient evidence to classify NM_000352.3(ABCC8):c.1123G>A(A375T) as pathogenic or benign. Please note: this variant was assessed in the context of healthy population screening.

Labcorp Genetics (formerly Invitae), Labcorp
Classification: Uncertain significance. Last evaluated: 2024-10-29. Review status: criteria provided, single submitter. Criteria: Invitae Variant Classification Sherloc (09022015). Collection method: clinical testing. Allele origin: germline.
Comment: This sequence change replaces alanine, which is neutral and non-polar, with threonine, which is neutral and polar, at codon 375 of the ABCC8 protein (p.Ala375Thr). This variant is present in population databases (rs749771128, gnomAD 0.003%). This variant has not been reported in the literature in individuals affected with ABCC8-related conditions. Invitae Evidence Modeling of protein sequence and biophysical properties (such as structural, functional, and spatial information, amino acid conservation, physicochemical variation, residue mobility, and thermodynamic stability) has been performed for this missense variant. However, the output from this modeling did not meet the statistical confidence thresholds required to predict the impact of this variant on ABCC8 protein function. In summary, the available evidence is currently insufficient to determine the role of this variant in disease. Therefore, it has been classified as a Variant of Uncertain Significance.

Fulgent Genetics
Classification: Uncertain significance for Type 2 diabetes mellitus; Leucine-induced hypoglycemia; Hyperinsulinemic hypoglycemia, familial, 1; Diabetes mellitus, transient neonatal, 2; Diabetes mellitus, permanent neonatal 3. Last evaluated: 2024-06-13. Review status: criteria provided, single submitter. Criteria: ACMG Guidelines, 2015. Collection method: clinical testing. Allele origin: germline.

Revvity Omics, Revvity
Classification: Uncertain significance. Last evaluated: 2024-06-05. Review status: criteria provided, single submitter. Criteria: ACMG Guidelines, 2015. Collection method: clinical testing. Allele origin: germline.

Literature cited by the submitters: PubMed 38963811 (cited by Myriad Genetics, Inc.).